The following is an entry in ClinVar:

NM_017780.4(CHD7):c.3928C>T (p.Leu1310Phe)

Gene: CHD7 (chromodomain helicase DNA binding protein 7; plus strand). Cytogenetic location: 8q12.2.
Variant type: single nucleotide variant.
Coding change: c.3928C>T on transcript NM_017780.4 (MANE Select); coding-DNA position 3928, C replaced by T.
Protein change: p.Leu1310Phe; replaces leucine 1310 with phenylalanine.
Molecular consequence: missense variant. On other transcripts: intron variant (1).
Genome position (GRCh38, 1-based): chr8:60,836,222, C>T. VCF-style: chr8-60836222-C-T. GRCh37 (hg19) VCF-style: chr8-61748781-C-T.
Other names: c.1717-26007C>T (NM_001316690.1); short protein forms L1310F.
Identifiers: ClinVar variation 588516 (VCV000588516.7), dbSNP rs1563643440, ClinGen allele CA371316408.

ClinVar aggregate classification (germline): Uncertain significance. Review status: criteria provided, multiple submitters, no conflicts (2 of 4 stars). 2 submissions from 2 submitters: Uncertain significance (2). Last evaluated 2024-06-10.

Conditions:
CHARGE syndrome (CHARGE). Also called: Coloboma, heart anomaly, choanal atresia, retardation, genital and ear anomalies; CHARGE association; Hall-Hittner syndrome; Hittner Hirsch Kreh syndrome; CHARGE ASSOCIATION--COLOBOMA, HEART ANOMALY, CHOANAL ATRESIA, RETARDATION, GENITAL AND EAR ANOMALIES. Identifiers: Orphanet 138, MedGen C0265354, MONDO:0008965.
Inborn genetic diseases. Identifiers: MedGen C0950123, MeSH D030342.

Submissions (2):

Labcorp Genetics (formerly Invitae), Labcorp
Classification: Uncertain significance for CHARGE syndrome. Last evaluated: 2024-06-10. Review status: criteria provided, single submitter. Criteria: Invitae Variant Classification Sherloc (09022015). Collection method: clinical testing. Allele origin: germline.
Comment: This sequence change replaces leucine, which is neutral and non-polar, with phenylalanine, which is neutral and non-polar, at codon 1310 of the CHD7 protein (p.Leu1310Phe). This variant is not present in population databases (gnomAD no frequency). This variant has not been reported in the literature in individuals affected with CHD7-related conditions. ClinVar contains an entry for this variant (Variation ID: 588516). Advanced modeling of protein sequence and biophysical properties (such as structural, functional, and spatial information, amino acid conservation, physicochemical variation, residue mobility, and thermodynamic stability) performed at Invitae indicates that this missense variant is expected to disrupt CHD7 protein function with a positive predictive value of 95%. In summary, the available evidence is currently insufficient to determine the role of this variant in disease. Therefore, it has been classified as a Variant of Uncertain Significance.

Ambry Genetics
Classification: Uncertain significance for Inborn genetic diseases. Last evaluated: 2016-12-03. Review status: criteria provided, single submitter. Criteria: Ambry Variant Classification Scheme 2023. Collection method: clinical testing. Allele origin: germline.
Comment: The p.L1310F variant (also known as c.3928C>T), located in coding exon 15 of the CHD7 gene, results from a C to T substitution at nucleotide position 3928. The leucine at codon 1310 is replaced by phenylalanine, an amino acid with highly similar properties. This amino acid position is highly conserved in available vertebrate species. In addition, this alteration is predicted to be deleterious by in silico analysis. Since supporting evidence is limited at this time, the clinical significance of this variant remains unclear.